The following is an entry in ClinVar:

ClinVar aggregate classification (germline): Likely benign (1 of 4 stars; one submission).

Conditions:
UDPglucose-4-epimerase deficiency. Also called: GALACTOSEMIA III; GALE DEFICIENCY; UDP-GALACTOSE-4-EPIMERASE DEFICIENCY; Galactose epimerase deficiency; UDPglucose 4-Epimerase Deficiency Disease; Epimerase Deficiency Galactosemia. Identifiers: Orphanet 352, Orphanet 79238, MedGen C0751161, MONDO:0009257, OMIM 230350.

Allele frequency attached by ClinVar (database versions not stated): 1000 Genomes Project 0.00399; gnomAD 0.00434 and 0.00470; 1000 Genomes Project 30x 0.00453; TOPMed 0.00453.

Submission:

Illumina Laboratory Services, Illumina
Classification: Likely benign for UDPglucose-4-epimerase deficiency. Last evaluated: 2018-01-13. Review status: criteria provided, single submitter. Criteria: ICSL Variant Classification Criteria 13 December 2019. Collection method: clinical testing. Allele origin: germline.
Comment: This variant was observed in the ICSL laboratory as part of a predisposition screen in an ostensibly healthy population. It had not been previously curated by ICSL or reported in the Human Gene Mutation Database (HGMD: prior to June 1st, 2018), and was therefore a candidate for classification through an automated scoring system. Utilizing variant allele frequency, disease prevalence and penetrance estimates, and inheritance mode, an automated score was calculated to assess if this variant is too frequent to cause the disease. Based on the score and internal cut-off values, a variant classified as likely benign is not then subjected to further curation. The score for this variant resulted in a classification of likely benign for this disease.

NM_001008216.2(GALE):c.-77+241C>G

Genes: GALE (UDP-galactose-4-epimerase; minus strand), LOC129929682 (ATAC-STARR-seq lymphoblastoid silent region 425; plus strand). Cytogenetic location: 1p36.11.
Variant type: single nucleotide variant.
Coding change: c.-77+241C>G on transcript NM_001008216.2 (MANE Select); 241 bases into the intron after 77 bases upstream of the start codon, C replaced by G.
Molecular consequence: intron variant. On other transcripts: 5 prime UTR variant (1).
Genome position (GRCh38, 1-based): chr1:23,800,471, G>C on the plus strand (C>G on the coding strand, the complement: GALE is on the minus strand). VCF-style: chr1-23800471-G-C. GRCh37 (hg19) VCF-style: chr1-24126961-G-C.
Other names: c.-161C>G (NM_000403.4).
Identifiers: ClinVar variation 296840 (VCV000296840.5), dbSNP rs566996145, ClinGen allele CA10609867.